The following is an entry in ClinVar:

ClinVar aggregate classification (germline): Likely benign (0 of 4 stars; one submission).

Conditions:
ABCB1-related disorder. Also called: ABCB1-related condition.

Allele frequency attached by ClinVar (database versions not stated): 1000 Genomes Project 0.00020; ExAC 0.00010; 1000 Genomes Project 30x 0.00016.
gnomAD v4.1: 174 of 1,604,264 alleles (0.011%); highest among the groups gnomAD compares: East Asian, 0.18%; no homozygotes.

Submission:

PreventionGenetics, part of Exact Sciences
Classification: Likely benign for ABCB1-related condition. Last evaluated: 2019-08-08. Review status: no assertion criteria provided. Collection method: clinical testing. Allele origin: germline.
Comment: This variant is classified as likely benign based on ACMG/AMP sequence variant interpretation guidelines (Richards et al. 2015 PMID: 25741868, with internal and published modifications).

NM_001348946.2(ABCB1):c.2786+9C>T

Gene: ABCB1 (ATP binding cassette subfamily B member 1; minus strand). Cytogenetic location: 7q21.12.
Variant type: single nucleotide variant.
Coding change: c.2786+9C>T on transcript NM_001348946.2 (MANE Select); 9 bases into the intron after coding-DNA position 2786, C replaced by T.
Molecular consequence: intron variant.
Genome position (GRCh38, 1-based): chr7:87,520,767, G>A on the plus strand (C>T on the coding strand, the complement: ABCB1 is on the minus strand). VCF-style: chr7-87520767-G-A. GRCh37 (hg19) VCF-style: chr7-87150083-G-A.
Other names: c.2786+9C>T (NM_001348944.2, NM_000927.5); c.2996+9C>T (NM_001348945.2).
Identifiers: ClinVar variation 3057234 (VCV003057234.2), dbSNP rs41309222, ClinGen allele CA4327955.